The following is an entry in ClinVar:

ClinVar aggregate classification (germline): Uncertain significance (1 of 4 stars; one submission).

Conditions:
2-aminoadipic 2-oxoadipic aciduria (AAKAD). Also called: Aminoadipic aciduria; ALPHA-AMINOADIPIC AND ALPHA-KETOADIPIC ACIDURIA. Identifiers: Orphanet 79154, MedGen C1859817, MONDO:0008774, OMIM 204750.

Submission:

Labcorp Genetics (formerly Invitae), Labcorp
Classification: Uncertain significance for 2-aminoadipic 2-oxoadipic aciduria. Last evaluated: 2023-06-07. Review status: criteria provided, single submitter. Criteria: Invitae Variant Classification Sherloc (09022015). Collection method: clinical testing. Allele origin: unknown.
Comment: In summary, the available evidence is currently insufficient to determine the role of this variant in disease. Therefore, it has been classified as a Variant of Uncertain Significance. Experimental studies and prediction algorithms are not available or were not evaluated, and the functional significance of this variant is currently unknown. This variant has not been reported in the literature in individuals affected with DHTKD1-related conditions. This variant results in a copy number gain of the genomic region encompassing exon(s) 1-13 of the DHTKD1 gene. This region includes the initiator codon of the gene. This copy number gain extends beyond the assayed region for this gene and therefore may encompass additional genes. As the precise location of this event is unknown, it may be in tandem or it may be located elsewhere in the genome.

NC_000010.10:g.(?_12111033)_(12155083_?)dup

Gene: DHTKD1 (dehydrogenase E1 and transketolase domain containing 1; plus strand). Cytogenetic location: 10p14.
Variant type: Duplication.
Identifiers: ClinVar variation 3244856 (VCV003244856.1).